The following is an entry in ClinVar:

ClinVar aggregate classification (germline): Uncertain significance (1 of 4 stars; one submission).

Submission:

GeneDx
Classification: Uncertain significance. Last evaluated: 2025-07-23. Review status: criteria provided, single submitter. Criteria: GeneDx Variant Classification Process June 2021. Collection method: clinical testing. Allele origin: germline. Affected: yes.
Comment: Not observed at significant frequency in large population cohorts (gnomAD); In silico analysis supports that this missense variant has a deleterious effect on protein structure/function; Has not been previously published as pathogenic or benign to our knowledge

NM_005334.3(HCFC1):c.3866G>A (p.Cys1289Tyr)

Gene: HCFC1 (host cell factor C1; minus strand). Cytogenetic location: Xq28.
Variant type: single nucleotide variant.
Coding change: c.3866G>A on transcript NM_005334.3 (MANE Select); coding-DNA position 3866, G replaced by A.
Protein change: p.Cys1289Tyr; replaces cysteine 1289 with tyrosine.
Molecular consequence: missense variant.
Genome position (GRCh38, 1-based): chrX:153,954,533, C>T on the plus strand (G>A on the coding strand, the complement: HCFC1 is on the minus strand). VCF-style: chrX-153954533-C-T. GRCh37 (hg19) VCF-style: chrX-153219984-C-T.
Other names: short protein forms C1289Y.
Identifiers: ClinVar variation 1312022 (VCV001312022.5), dbSNP rs2148571236, ClinGen allele CA415118987.